The following is an entry in ClinVar:

ClinVar aggregate classification (germline): Uncertain significance (1 of 4 stars; one submission).

gnomAD v4.1: 2 of 1,612,972 alleles (0.00012%); highest among the groups gnomAD compares: Non-Finnish European, 0.00017%; no homozygotes.

Submission:

Labcorp Genetics (formerly Invitae), Labcorp
Classification: Uncertain significance. Last evaluated: 2025-09-02. Review status: criteria provided, single submitter. Criteria: Invitae Variant Classification Sherloc (09022015). Collection method: clinical testing. Allele origin: germline.
Comment: This sequence change replaces alanine, which is neutral and non-polar, with glutamic acid, which is acidic and polar, at codon 296 of the ITPR1 protein (p.Ala296Glu). This variant is not present in population databases (gnomAD no frequency). This variant has not been reported in the literature in individuals affected with ITPR1-related conditions. ClinVar contains an entry for this variant (Variation ID: 2957389). Invitae Evidence Modeling of protein sequence and biophysical properties (such as structural, functional, and spatial information, amino acid conservation, physicochemical variation, residue mobility, and thermodynamic stability) has been performed for this missense variant. However, the output from this modeling did not meet the statistical confidence thresholds required to predict the impact of this variant on ITPR1 protein function. In summary, the available evidence is currently insufficient to determine the role of this variant in disease. Therefore, it has been classified as a Variant of Uncertain Significance.

NM_001378452.1(ITPR1):c.887C>A (p.Ala296Glu)

Gene: ITPR1 (inositol 1,4,5-trisphosphate receptor type 1; plus strand). Cytogenetic location: 3p26.1.
Variant type: single nucleotide variant.
Coding change: c.887C>A on transcript NM_001378452.1 (MANE Select); coding-DNA position 887, C replaced by A.
Protein change: p.Ala296Glu; replaces alanine 296 with glutamic acid.
Molecular consequence: missense variant.
Genome position (GRCh38, 1-based): chr3:4,652,154, C>A. VCF-style: chr3-4652154-C-A. GRCh37 (hg19) VCF-style: chr3-4693838-C-A.
Other names: c.887C>A, p.Ala296Glu (NM_001099952.4, NM_001168272.2, NM_002222.7); short protein forms A296E.
Identifiers: ClinVar variation 2957389 (VCV002957389.3), dbSNP rs746760261, ClinGen allele CA351637886.
Genomic context (GRCh38, chr3:4,652,154, plus strand): 5'-TCATTGACTCCTGTTGATCATTCTTGCAGGTGGTCCAGCATGACCCATGTCGGGGCGGAG[C>A]AGGGTATTGGAACAGCCTTTTCCGTTTCAAGCATCTGGCCACGGGGCATTACTTGGCAGC-3'
Protein context (NP_001365381.1, residues 286-306): VVQHDPCRGG[Ala296Glu]GYWNSLFRFK